The following is an entry in ClinVar:

NM_004341.5(CAD):c.6158C>G (p.Pro2053Arg)

Gene: CAD (carbamoyl-phosphate synthetase 2, aspartate transcarbamylase, and dihydroorotase; plus strand). Cytogenetic location: 2p23.3.
Variant type: single nucleotide variant.
Coding change: c.6158C>G on transcript NM_004341.5 (MANE Select); coding-DNA position 6158, C replaced by G.
Protein change: p.Pro2053Arg; replaces proline 2053 with arginine.
Molecular consequence: missense variant.
Genome position (GRCh38, 1-based): chr2:27,242,363, C>G. VCF-style: chr2-27242363-C-G. GRCh37 (hg19) VCF-style: chr2-27465231-C-G.
Other names: c.5969C>G, p.Pro1990Arg (NM_001306079.2); short protein forms P1990R, P2053R.
Identifiers: ClinVar variation 2002947 (VCV002002947.4), dbSNP rs2465368886, ClinGen allele CA346224435.

ClinVar aggregate classification (germline): Uncertain significance (1 of 4 stars; one submission).

Allele frequency attached by ClinVar (database versions not stated): gnomAD exomes below 0.00001.
gnomAD v4.1: 4 of 1,614,032 alleles (0.00025%); highest among the groups gnomAD compares: Non-Finnish European, 0.00034%; no homozygotes.

Submission:

Labcorp Genetics (formerly Invitae), Labcorp
Classification: Uncertain significance. Last evaluated: 2024-03-11. Review status: criteria provided, single submitter. Criteria: Invitae Variant Classification Sherloc (09022015). Collection method: clinical testing. Allele origin: germline.
Comment: This sequence change replaces proline, which is neutral and non-polar, with arginine, which is basic and polar, at codon 2053 of the CAD protein (p.Pro2053Arg). This variant is not present in population databases (gnomAD no frequency). This variant has not been reported in the literature in individuals affected with CAD-related conditions. ClinVar contains an entry for this variant (Variation ID: 2002947). An algorithm developed to predict the effect of missense changes on protein structure and function (PolyPhen-2) suggests that this variant is likely to be disruptive. In summary, the available evidence is currently insufficient to determine the role of this variant in disease. Therefore, it has been classified as a Variant of Uncertain Significance.